The following is an entry in ClinVar:

NM_000051.4(ATM):c.2041T>C (p.Ser681Pro)

Gene: ATM (ATM serine/threonine kinase; plus strand). Cytogenetic location: 11q22.3.
Variant type: single nucleotide variant.
Coding change: c.2041T>C on transcript NM_000051.4 (MANE Select); coding-DNA position 2041, T replaced by C.
Protein change: p.Ser681Pro; replaces serine 681 with proline.
Molecular consequence: missense variant.
Genome position (GRCh38, 1-based): chr11:108,253,956, T>C. VCF-style: chr11-108253956-T-C. GRCh37 (hg19) VCF-style: chr11-108124683-T-C.
Other names: c.2041T>C, p.Ser681Pro (NM_001351834.2); short protein forms S681P.
Identifiers: ClinVar variation 3232280 (VCV003232280.1), dbSNP rs2135369710, ClinGen allele CA382537417.
Genomic context (GRCh38, chr11:108,253,956, plus strand): 5'-GACTTTTTAACCATTGTGAGAGAATGTGGTATAGAAAAGCACCAGTCCAGTATTGGCTTC[T>C]CTGTCCACCAGAATCTCAAGGAATCACTGGATCGCTGTCTTCTGGGATTATCAGAACAGC-3'
Protein context (NP_000042.3, residues 671-691): IEKHQSSIGF[Ser681Pro]VHQNLKESLD

ClinVar aggregate classification (germline): Uncertain significance (1 of 4 stars; one submission).

Conditions:
Hereditary cancer-predisposing syndrome. Also called: Neoplastic Syndromes, Hereditary; Tumor predisposition; Hereditary neoplastic syndrome; Hereditary Cancer Syndrome. Identifiers: Orphanet 140162, MedGen C0027672, MeSH D009386, MONDO:0015356.

Submission:

Ambry Genetics
Classification: Uncertain significance for Hereditary cancer-predisposing syndrome. Last evaluated: 2023-09-19. Review status: criteria provided, single submitter. Criteria: Ambry Variant Classification Scheme 2023. Collection method: clinical testing. Allele origin: germline.
Comment: The p.S681P variant (also known as c.2041T>C), located in coding exon 12 of the ATM gene, results from a T to C substitution at nucleotide position 2041. The serine at codon 681 is replaced by proline, an amino acid with similar properties. This amino acid position is conserved. In addition, the in silico prediction for this alteration is inconclusive. Since supporting evidence is limited at this time, the clinical significance of this alteration remains unclear.